The following is an entry in ClinVar:

ClinVar aggregate classification (germline): Uncertain significance. Review status: criteria provided, multiple submitters, no conflicts (2 of 4 stars). 2 submissions from 2 submitters: Uncertain significance (2). Last evaluated 2025-08-01.

Conditions:
Inborn genetic diseases. Identifiers: MedGen C0950123, MeSH D030342.
Snijders Blok-Campeau syndrome. Also called: INTELLECTUAL DEVELOPMENTAL DISORDER WITH MACROCEPHALY, SPEECH DELAY, AND DYSMORPHIC FACIES. Identifiers: Orphanet 599082, MedGen C4748701, MONDO:0032600, OMIM 618205.

Allele frequency attached by ClinVar (database versions not stated): gnomAD exomes below 0.00001; ESP Exome Variant Server 0.00008.

Submissions (2):

Ambry Genetics
Classification: Uncertain significance for Inborn genetic diseases. Last evaluated: 2025-08-01. Review status: criteria provided, single submitter. Criteria: Ambry Variant Classification Scheme 2023. Collection method: clinical testing. Allele origin: germline.

Baylor Genetics
Classification: Uncertain significance for Snijders Blok-Campeau syndrome. Last evaluated: 2019-10-03. Review status: criteria provided, single submitter. Criteria: ACMG Guidelines, 2015. Collection method: clinical testing. Allele origin: unknown. Affected: yes.
Comment: This variant was determined to be of uncertain significance according to ACMG Guidelines, 2015 [PMID:25741868].

NM_001005273.3(CHD3):c.5077C>T (p.Arg1693Trp)

Gene: CHD3 (chromodomain helicase DNA binding protein 3; plus strand). Cytogenetic location: 17p13.1.
Variant type: single nucleotide variant.
Coding change: c.5077C>T on transcript NM_001005273.3 (MANE Select); coding-DNA position 5077, C replaced by T.
Protein change: p.Arg1693Trp; replaces arginine 1693 with tryptophan.
Molecular consequence: missense variant.
Genome position (GRCh38, 1-based): chr17:7,907,944, C>T. VCF-style: chr17-7907944-C-T. GRCh37 (hg19) VCF-style: chr17-7811262-C-T.
Other names: c.5254C>T, p.Arg1752Trp (NM_001005271.3); c.4975C>T, p.Arg1659Trp (NM_005852.4); short protein forms R1693W, R1752W, R1659W.
Identifiers: ClinVar variation 1028915 (VCV001028915.2), dbSNP rs369558887, ClinGen allele CA287498209.
Genomic context (GRCh38, chr17:7,907,944, plus strand): 5'-GTCCTAGCAGAAGATGTAAAAGGTGACCGGGAGCTTCGACCAGGGCCTCGAGATGAGCCA[C>T]GGTCCAATGGGCGACGAGAGGAAAAGACAGAGAAGCCCCGGTTCATGTTCAATATCGCCG-3'
Protein context (NP_001005273.1, residues 1683-1703): ELRPGPRDEP[Arg1693Trp]SNGRREEKTE